The following is an entry in ClinVar:

NM_001100913.3(PACS2):c.1024C>T (p.Arg342Cys)

Gene: PACS2 (phosphofurin acidic cluster sorting protein 2; plus strand). Cytogenetic location: 14q32.33.
Variant type: single nucleotide variant.
Coding change: c.1024C>T on transcript NM_001100913.3 (MANE Select); coding-DNA position 1024, C replaced by T.
Protein change: p.Arg342Cys; replaces arginine 342 with cysteine.
Molecular consequence: missense variant.
Genome position (GRCh38, 1-based): chr14:105,379,803, C>T. VCF-style: chr14-105379803-C-T. GRCh37 (hg19) VCF-style: chr14-105846140-C-T.
Other names: c.1024C>T (NM_001100913.2); c.799C>T, p.Arg267Cys (NM_001243127.3); c.1024C>T, p.Arg342Cys (NM_015197.4); short protein forms R267C, R342C.
Identifiers: ClinVar variation 1586798 (VCV001586798.12), dbSNP rs782535850, ClinGen allele CA7388677.

ClinVar aggregate classification (germline): Likely benign. Review status: criteria provided, multiple submitters, no conflicts (2 of 4 stars). 3 submissions from 3 submitters: Likely benign (2). 1 of the submissions does not count toward it. Last evaluated 2025-12-22.

Conditions:
Inborn genetic diseases. Identifiers: MedGen C0950123, MeSH D030342.
PACS2-related disorder. Also called: PACS2-related condition.

Allele frequency attached by ClinVar (database versions not stated): gnomAD 0.00003; gnomAD exomes 0.00003 and 0.00014; TOPMed 0.00008; ExAC 0.00012.
gnomAD v4.1: 43 of 1,613,462 alleles (0.0027%); highest among the groups gnomAD compares: Admixed American, 0.063%; no homozygotes.

Submissions (3):

Labcorp Genetics (formerly Invitae), Labcorp
Classification: Likely benign. Last evaluated: 2025-12-22. Review status: criteria provided, single submitter. Criteria: Invitae Variant Classification Sherloc (09022015). Collection method: clinical testing. Allele origin: germline.

Ambry Genetics
Classification: Likely benign for Inborn genetic diseases. Last evaluated: 2023-03-07. Review status: criteria provided, single submitter. Criteria: Ambry Variant Classification Scheme 2023. Collection method: clinical testing. Allele origin: germline.

PreventionGenetics, part of Exact Sciences
Classification: Likely benign for PACS2-related condition. Last evaluated: 2020-01-14. Review status: no assertion criteria provided. Collection method: clinical testing. Allele origin: germline. Not counted in ClinVar's aggregate classification.
Comment: This variant is classified as likely benign based on ACMG/AMP sequence variant interpretation guidelines (Richards et al. 2015 PMID: 25741868, with internal and published modifications).